The following is an entry in ClinVar:

NM_000384.3(APOB):c.4279C>A (p.Arg1427Ser)

Gene: APOB (apolipoprotein B; minus strand). Cytogenetic location: 2p24.1.
Variant type: single nucleotide variant.
Coding change: c.4279C>A on transcript NM_000384.3 (MANE Select); coding-DNA position 4279, C replaced by A.
Protein change: p.Arg1427Ser; replaces arginine 1427 with serine.
Molecular consequence: missense variant.
Genome position (GRCh38, 1-based): chr2:21,012,589, G>T on the plus strand (C>A on the coding strand, the complement: APOB is on the minus strand). VCF-style: chr2-21012589-G-T. GRCh37 (hg19) VCF-style: chr2-21235461-G-T.
Other names: short protein forms R1427S.
Identifiers: ClinVar variation 1948852 (VCV001948852.2), dbSNP rs759979553, ClinGen allele CA346007238.
Genomic context (GRCh38, chr2:21,012,589, plus strand): 5'-GGTTGTTTCCAAGTTTTTCTACATGACTGAATTTGATATTCGAATCTAGAAATTTGTGGC[G>T]TAGAGACCCATCACATGATAGTGTGAACGTATTCTTGTGGTCATATGTTGTTTCTCCAGA-3'
Protein context (NP_000375.3, residues 1417-1437): TFTLSCDGSL[Arg1427Ser]HKFLDSNIKF

ClinVar aggregate classification (germline): Uncertain significance (1 of 4 stars; one submission).

Conditions:
Familial hypobetalipoproteinemia 1. Also called: Hypobetalipoproteinemia, normotriglyceridemic; Acanthocytosis with hypobetalipoproteinemia; APOB-Related Familial Hypobetalipoproteinemia. Identifiers: MedGen C4551990, MONDO:0014252, OMIM 615558.
Hypercholesterolemia, autosomal dominant, type B (FHCL2). Also called: APOB-Related Familial Hypercholesterolemia, Autosomal Dominant; Familial Hypercholesterolemia Type B; APOLIPOPROTEIN B-100, FAMILIAL DEFECTIVE; APOLIPOPROTEIN B-100, FAMILIAL LIGAND-DEFECTIVE; HYPERCHOLESTEROLEMIA, FAMILIAL, DUE TO LIGAND-DEFECTIVE APOLIPOPROTEIN B; Familial hypercholesterolemia 2. Identifiers: MedGen C1704417, MONDO:0007751, OMIM 144010.

Submission:

Labcorp Genetics (formerly Invitae), Labcorp
Classification: Uncertain significance for Familial hypobetalipoproteinemia 1; Hypercholesterolemia, autosomal dominant, type B. Last evaluated: 2022-06-14. Review status: criteria provided, single submitter. Criteria: Invitae Variant Classification Sherloc (09022015). Collection method: clinical testing. Allele origin: germline.
Comment: This sequence change replaces arginine, which is basic and polar, with serine, which is neutral and polar, at codon 1427 of the APOB protein (p.Arg1427Ser). This variant is not present in population databases (gnomAD no frequency). This variant has not been reported in the literature in individuals affected with APOB-related conditions. Algorithms developed to predict the effect of missense changes on protein structure and function (SIFT, PolyPhen-2, Align-GVGD) all suggest that this variant is likely to be tolerated. In summary, the available evidence is currently insufficient to determine the role of this variant in disease. Therefore, it has been classified as a Variant of Uncertain Significance.